The following is an entry in ClinVar:

ClinVar aggregate classification (germline): Uncertain significance (1 of 4 stars; one submission).

Conditions:
Hereditary cancer-predisposing syndrome. Also called: Tumor predisposition; Neoplastic Syndromes, Hereditary; Hereditary neoplastic syndrome; Hereditary Cancer Syndrome. Identifiers: Orphanet 140162, MedGen C0027672, MeSH D009386, MONDO:0015356.

Submission:

Ambry Genetics
Classification: Uncertain significance for Hereditary cancer-predisposing syndrome. Last evaluated: 2025-07-25. Review status: criteria provided, single submitter. Criteria: Ambry Variant Classification Scheme 2023. Collection method: clinical testing. Allele origin: germline.
Comment: The p.S960P variant (also known as c.2878T>C), located in coding exon 12 of the MET gene, results from a T to C substitution at nucleotide position 2878. The serine at codon 960 is replaced by proline, an amino acid with similar properties. This amino acid position is conserved. In addition, the in silico prediction for this alteration is inconclusive. Based on the available evidence, the clinical significance of this variant remains unclear.

NM_000245.4(MET):c.2824T>C (p.Ser942Pro)

Gene: MET (MET proto-oncogene, receptor tyrosine kinase; plus strand). Cytogenetic location: 7q31.2.
Variant type: single nucleotide variant.
Coding change: c.2824T>C on transcript NM_000245.4 (MANE Select); coding-DNA position 2824, T replaced by C.
Protein change: p.Ser942Pro; replaces serine 942 with proline.
Molecular consequence: missense variant.
Genome position (GRCh38, 1-based): chr7:116,771,591, T>C. VCF-style: chr7-116771591-T-C. GRCh37 (hg19) VCF-style: chr7-116411645-T-C.
Other names: c.2878T>C, p.Ser960Pro (NM_001127500.3); c.1534T>C, p.Ser512Pro (NM_001324402.2); short protein forms S942P, S960P, S512P.
Identifiers: ClinVar variation 4106771 (VCV004106771.1).
Genomic context (GRCh38, chr7:116,771,591, plus strand): 5'-AAAGTAATAGTTCAACCAGATCAGAATTTCACAGGATTGATTGCTGGTGTTGTCTCAATA[T>C]CAACAGCACTGTTATTACTACTTGGGTTTTTCCTGTGGCTGAAAAAGAGAAAGCAAATTA-3'
Protein context (NP_000236.2, residues 932-952): TGLIAGVVSI[Ser942Pro]TALLLLLGFF